The following is an entry in ClinVar:

NM_004360.5(CDH1):c.48+8G>A

Gene: CDH1 (cadherin 1; plus strand). Cytogenetic location: 16q22.1.
Variant type: single nucleotide variant.
Coding change: c.48+8G>A on transcript NM_004360.5 (MANE Select); 8 bases into the intron after coding-DNA position 48, G replaced by A.
Molecular consequence: intron variant.
Genome position (GRCh38, 1-based): chr16:68,737,471, G>A. VCF-style: chr16-68737471-G-A. GRCh37 (hg19) VCF-style: chr16-68771374-G-A.
Other names: c.-1568+8G>A (NM_001317185.2); c.-1772+8G>A (NM_001317186.2); c.48+8G>A (NM_001317184.2).
Identifiers: ClinVar variation 2172705 (VCV002172705.5), dbSNP rs1322726212, ClinGen allele CA2580091847.

ClinVar aggregate classification (germline): Likely benign. Review status: criteria provided, multiple submitters, no conflicts (2 of 4 stars). 2 submissions from 2 submitters: Likely benign (2). Last evaluated 2024-09-10.

Conditions:
Hereditary diffuse gastric adenocarcinoma (HDGC). Also called: DIFFUSE GASTRIC AND LOBULAR BREAST CANCER SYNDROME. Identifiers: Orphanet 26106, MedGen C1708349, MONDO:0007648, OMIM 137215.

Submissions (2):

Myriad Genetics, Inc.
Classification: Likely benign for Hereditary diffuse gastric adenocarcinoma. Last evaluated: 2024-09-10. Review status: criteria provided, single submitter. Criteria: Myriad Autosomal Dominant, Autosomal Recessive and X-Linked Classification Criteria (2023). Collection method: clinical testing. Allele origin: unknown.
Comment: This variant is considered likely benign. This variant is intronic and is not expected to impact mRNA splicing.

Labcorp Genetics (formerly Invitae), Labcorp
Classification: Likely benign for Hereditary diffuse gastric adenocarcinoma. Last evaluated: 2022-06-08. Review status: criteria provided, single submitter. Criteria: Invitae Variant Classification Sherloc (09022015). Collection method: clinical testing. Allele origin: germline.